The following is an entry in ClinVar:

NM_015215.4(CAMTA1):c.2470T>C (p.Cys824Arg)

Gene: CAMTA1 (calmodulin binding transcription activator 1; plus strand). Cytogenetic location: 1p36.23.
Variant type: single nucleotide variant.
Coding change: c.2470T>C on transcript NM_015215.4 (MANE Select); coding-DNA position 2470, T replaced by C.
Protein change: p.Cys824Arg; replaces cysteine 824 with arginine.
Molecular consequence: missense variant.
Genome position (GRCh38, 1-based): chr1:7,665,017, T>C. VCF-style: chr1-7665017-T-C. GRCh37 (hg19) VCF-style: chr1-7725077-T-C.
Other names: c.2380T>C, p.Cys794Arg (NM_001349608.2, NM_001349612.2); c.2470T>C, p.Cys824Arg (NM_001349609.2, NM_001349610.2); short protein forms C794R, C824R.
Identifiers: ClinVar variation 1029366 (VCV001029366.1), dbSNP rs2095989201, ClinGen allele CA338135227.

ClinVar aggregate classification (germline): Uncertain significance (1 of 4 stars; one submission).

Conditions:
Cerebellar dysfunction with variable cognitive and behavioral abnormalities (CECBA). Also called: Nonprogressive cerebellar atxia with intellectual disability. Identifiers: Orphanet 314647, MedGen C3553661, MONDO:0013886, OMIM 614756.

Submission:

Baylor Genetics
Classification: Uncertain significance for Cerebellar dysfunction with variable cognitive and behavioral abnormalities. Last evaluated: 2020-07-31. Review status: criteria provided, single submitter. Criteria: ACMG Guidelines, 2015. Collection method: clinical testing. Allele origin: unknown. Affected: yes.
Comment: This variant was determined to be of uncertain significance according to ACMG Guidelines, 2015 [PMID:25741868].